The following is an entry in ClinVar:

ClinVar aggregate classification (germline): Uncertain significance. Review status: criteria provided, single submitter (1 of 4 stars). 2 submissions from 2 submitters: Uncertain significance (1). 1 of the submissions does not count toward it. Last evaluated 2025-08-18.

Conditions:
USH2A-related disorder. Also called: USH2A-related condition; USH2A-related disorders. Identifiers: MedGen CN239332.

Allele frequency attached by ClinVar (database versions not stated): gnomAD exomes below 0.00001; TOPMed below 0.00001.
gnomAD v4.1: 7 of 1,614,136 alleles (0.00043%); highest among the groups gnomAD compares: South Asian, 0.0022%; no homozygotes.

Submissions (2):

GeneDx
Classification: Uncertain significance. Last evaluated: 2025-08-18. Review status: criteria provided, single submitter. Criteria: GeneDx Variant Classification Process June 2021. Collection method: clinical testing. Allele origin: germline. Affected: yes.
Comment: Not observed at significant frequency in large population cohorts (gnomAD); In silico analysis suggests that this missense variant does not alter protein structure/function; Has not been previously published as pathogenic or benign to our knowledge

PreventionGenetics, part of Exact Sciences
Classification: Uncertain significance for USH2A-related condition. Last evaluated: 2024-09-09. Review status: no assertion criteria provided. Collection method: clinical testing. Allele origin: germline. Not counted in ClinVar's aggregate classification.
Comment: The USH2A c.14050T>C variant is predicted to result in the amino acid substitution p.Ser4684Pro. To our knowledge, this variant has not been reported in the literature. This variant is reported in 0.00088% of alleles in individuals of European (Non-Finnish) descent in gnomAD. At this time, the clinical significance of this variant is uncertain due to the absence of conclusive functional and genetic evidence.

NM_206933.4(USH2A):c.14050T>C (p.Ser4684Pro)

Gene: USH2A (usherin; minus strand). Cytogenetic location: 1q41.
Variant type: single nucleotide variant.
Coding change: c.14050T>C on transcript NM_206933.4 (MANE Select); coding-DNA position 14050, T replaced by C.
Protein change: p.Ser4684Pro; replaces serine 4684 with proline.
Molecular consequence: missense variant.
Genome position (GRCh38, 1-based): chr1:215,671,055, A>G on the plus strand (T>C on the coding strand, the complement: USH2A is on the minus strand). VCF-style: chr1-215671055-A-G. GRCh37 (hg19) VCF-style: chr1-215844397-A-G.
Other names: short protein forms S4684P.
Identifiers: ClinVar variation 1306131 (VCV001306131.4), dbSNP rs1463849396, ClinGen allele CA344840408.